The following is an entry in ClinVar:

ClinVar aggregate classification (germline): Uncertain significance (1 of 4 stars; one submission).

Allele frequency attached by ClinVar (database versions not stated): TOPMed below 0.00001.
gnomAD v4.1: 2 of 1,614,022 alleles (0.00012%); highest among the groups gnomAD compares: Middle Eastern, 0.016%; no homozygotes.

Submission:

Labcorp Genetics (formerly Invitae), Labcorp
Classification: Uncertain significance. Last evaluated: 2022-07-19. Review status: criteria provided, single submitter. Criteria: Invitae Variant Classification Sherloc (09022015). Collection method: clinical testing. Allele origin: germline.
Comment: This sequence change replaces isoleucine, which is neutral and non-polar, with leucine, which is neutral and non-polar, at codon 2153 of the PCLO protein (p.Ile2153Leu). This variant is not present in population databases (gnomAD no frequency). This variant has not been reported in the literature in individuals affected with PCLO-related conditions. ClinVar contains an entry for this variant (Variation ID: 1507126). Algorithms developed to predict the effect of missense changes on protein structure and function output the following: SIFT: "Tolerated"; PolyPhen-2: "Not Available"; Align-GVGD: "Class C0". The leucine amino acid residue is found in multiple mammalian species, which suggests that this missense change does not adversely affect protein function. In summary, the available evidence is currently insufficient to determine the role of this variant in disease. Therefore, it has been classified as a Variant of Uncertain Significance.

NM_033026.6(PCLO):c.6457A>C (p.Ile2153Leu)

Gene: PCLO (piccolo presynaptic cytomatrix protein; minus strand). Cytogenetic location: 7q21.11.
Variant type: single nucleotide variant.
Coding change: c.6457A>C on transcript NM_033026.6 (MANE Select); coding-DNA position 6457, A replaced by C.
Protein change: p.Ile2153Leu; replaces isoleucine 2153 with leucine.
Molecular consequence: missense variant.
Genome position (GRCh38, 1-based): chr7:82,954,496, T>G on the plus strand (A>C on the coding strand, the complement: PCLO is on the minus strand). VCF-style: chr7-82954496-T-G. GRCh37 (hg19) VCF-style: chr7-82583812-T-G.
Other names: c.6457A>C, p.Ile2153Leu (NM_014510.3); short protein forms I2153L.
Identifiers: ClinVar variation 1507126 (VCV001507126.5), dbSNP rs749966331, ClinGen allele CA161147497.